The following is an entry in ClinVar:

ClinVar aggregate classification (germline): Uncertain significance. Review status: criteria provided, multiple submitters, no conflicts (2 of 4 stars). 4 submissions from 4 submitters: Uncertain significance (4). Last evaluated 2025-09-21.

Conditions:
Inborn genetic diseases. Identifiers: MedGen C0950123, MeSH D030342.
Neuropathy, hereditary sensory and autonomic, type 2A (HSAN2A). Also called: MORVAN DISEASE; NEUROPATHY, CONGENITAL SENSORY; NEUROPATHY, HEREDITARY SENSORY RADICULAR, AUTOSOMAL RECESSIVE; NEUROPATHY, HEREDITARY SENSORY, TYPE IIA; NEUROPATHY, PROGRESSIVE SENSORY, OF CHILDREN; WNK1-Related HSAN2 (HSAN2A). Identifiers: Orphanet 970, MedGen C2752089, MONDO:0024309, OMIM 201300.
Pseudohypoaldosteronism type 2C (PHA2C). Also called: Pseudohypoaldosteronism Type IIC. Identifiers: Orphanet 757, Orphanet 88940, MedGen C1840391, MONDO:0013778, OMIM 614492.

Allele frequency attached by ClinVar (database versions not stated): gnomAD 0.00001; ExAC 0.00002; gnomAD exomes 0.00002 and 0.00009; TOPMed 0.00003.
gnomAD v4.1: 138 of 1,613,950 alleles (0.0086%); highest among the groups gnomAD compares: Non-Finnish European, 0.011%; no homozygotes.

Submissions (4):

Labcorp Genetics (formerly Invitae), Labcorp
Classification: Uncertain significance for Neuropathy, hereditary sensory and autonomic, type 2A; Pseudohypoaldosteronism type 2C. Last evaluated: 2025-09-21. Review status: criteria provided, single submitter. Criteria: Invitae Variant Classification Sherloc (09022015). Collection method: clinical testing. Allele origin: germline.
Comment: This sequence change replaces valine, which is neutral and non-polar, with isoleucine, which is neutral and non-polar, at codon 698 of the WNK1 protein (p.Val698Ile). This variant is present in population databases (rs764336343, gnomAD 0.004%). This variant has not been reported in the literature in individuals affected with WNK1-related conditions. ClinVar contains an entry for this variant (Variation ID: 538507). Invitae Evidence Modeling of protein sequence and biophysical properties (such as structural, functional, and spatial information, amino acid conservation, physicochemical variation, residue mobility, and thermodynamic stability) indicates that this missense variant is not expected to disrupt WNK1 protein function with a negative predictive value of 95%. In summary, the available evidence is currently insufficient to determine the role of this variant in disease. Therefore, it has been classified as a Variant of Uncertain Significance.

Fulgent Genetics
Classification: Uncertain significance for Neuropathy, hereditary sensory and autonomic, type 2A; Pseudohypoaldosteronism type 2C. Last evaluated: 2024-04-25. Review status: criteria provided, single submitter. Criteria: ACMG Guidelines, 2015. Collection method: clinical testing. Allele origin: germline.

CeGaT Center for Human Genetics Tuebingen
Classification: Uncertain significance. Last evaluated: 2022-05-01. Review status: criteria provided, single submitter. Criteria: CeGaT Center For Human Genetics Tuebingen Variant Classification Criteria Version 2. Collection method: clinical testing. Allele origin: germline. Affected: yes. Observed: 1 variant allele.
Comment: WNK1: PM2, BP4

Ambry Genetics
Classification: Uncertain significance for Inborn genetic diseases. Last evaluated: 2021-12-13. Review status: criteria provided, single submitter. Criteria: Ambry Variant Classification Scheme 2023. Collection method: clinical testing. Allele origin: germline.
Comment: The p.V698I variant (also known as c.2092G>A), located in coding exon 8 of the WNK1 gene, results from a G to A substitution at nucleotide position 2092. The valine at codon 698 is replaced by isoleucine, an amino acid with highly similar properties. This amino acid position is not well conserved in available vertebrate species, and isoleucine is the reference amino acid in other vertebrate species. In addition, this alteration is predicted to be tolerated by in silico analysis. Since supporting evidence is limited at this time, the clinical significance of this alteration remains unclear.

NM_018979.4(WNK1):c.2092G>A (p.Val698Ile)

Gene: WNK1 (WNK lysine deficient protein kinase 1; plus strand). Cytogenetic location: 12p13.33.
Variant type: single nucleotide variant.
Coding change: c.2092G>A on transcript NM_018979.4 (MANE Select); coding-DNA position 2092, G replaced by A.
Protein change: p.Val698Ile; replaces valine 698 with isoleucine.
Molecular consequence: missense variant.
Genome position (GRCh38, 1-based): chr12:862,223, G>A. VCF-style: chr12-862223-G-A. GRCh37 (hg19) VCF-style: chr12-971389-G-A.
Other names: c.2092G>A, p.Val698Ile (NM_001184985.2, NM_014823.3, NM_213655.5); short protein forms V698I.
Identifiers: ClinVar variation 538507 (VCV000538507.45), dbSNP rs764336343, ClinGen allele CA6382102.
Genomic context (GRCh38, chr12:862,223, plus strand): 5'-GGTTCCCAACATGAACAGGCACATTCTACAGGCACAGTCCCAGGGCATATACCTTCTACT[G>A]TCCAAGCACAGTCTCAGCCCCATGGGGTATATCCACCCTCAAGTGTGGTAAGTAAATGCT-3'
Protein context (NP_061852.3, residues 688-708): GTVPGHIPST[Val698Ile]QAQSQPHGVY